The following is an entry in ClinVar:

NM_000094.4(COL7A1):c.2207C>T (p.Thr736Met)

Gene: COL7A1 (collagen type VII alpha 1 chain; minus strand). Cytogenetic location: 3p21.31.
Variant type: single nucleotide variant.
Coding change: c.2207C>T on transcript NM_000094.4 (MANE Select); coding-DNA position 2207, C replaced by T.
Protein change: p.Thr736Met; replaces threonine 736 with methionine.
Molecular consequence: missense variant.
Genome position (GRCh38, 1-based): chr3:48,589,434, G>A on the plus strand (C>T on the coding strand, the complement: COL7A1 is on the minus strand). VCF-style: chr3-48589434-G-A. GRCh37 (hg19) VCF-style: chr3-48626867-G-A.
Other names: short protein forms T736M.
Identifiers: ClinVar variation 4753808 (VCV004753808.1).
Genomic context (GRCh38, chr3:48,589,434, plus strand): 5'-TGGGCCCTCACATGCACCGTATACTCAGTATCTGGCTCCAGTCCATCCAGCTCAGCCACC[G>A]TGGCCTCCCCAGAAACCAACTGGGATTTCTCTGGGCCTGGGAACAGGGATGGAGGCAGCT-3'
Protein context (NP_000085.1, residues 726-746): EKSQLVSGEA[Thr736Met]VAELDGLEPD

ClinVar aggregate classification (germline): Uncertain significance (1 of 4 stars; one submission).

gnomAD v4.1: 6 of 1,613,588 alleles (0.00037%); highest among the groups gnomAD compares: South Asian, 0.0011%; no homozygotes.

Submission:

Labcorp Genetics (formerly Invitae), Labcorp
Classification: Uncertain significance. Last evaluated: 2025-05-06. Review status: criteria provided, single submitter. Criteria: Invitae Variant Classification Sherloc (09022015). Collection method: clinical testing. Allele origin: germline.
Comment: This sequence change replaces threonine, which is neutral and polar, with methionine, which is neutral and non-polar, at codon 736 of the COL7A1 protein (p.Thr736Met). The frequency data for this variant in the population databases is considered unreliable, as metrics indicate poor data quality at this position in the gnomAD database. This variant has not been reported in the literature in individuals affected with COL7A1-related conditions. Invitae Evidence Modeling of protein sequence and biophysical properties (such as structural, functional, and spatial information, amino acid conservation, physicochemical variation, residue mobility, and thermodynamic stability) indicates that this missense variant is not expected to disrupt COL7A1 protein function with a negative predictive value of 95%. In summary, the available evidence is currently insufficient to determine the role of this variant in disease. Therefore, it has been classified as a Variant of Uncertain Significance.